The following is an entry in ClinVar:

ClinVar aggregate classification (germline): Uncertain significance (1 of 4 stars; one submission).

Conditions:
Capillary malformation-arteriovenous malformation syndrome. Also called: Capillary malformation-arteriovenous malformation. Identifiers: Orphanet 137667, MedGen C1842180, MONDO:0012016.

Submission:

Labcorp Genetics (formerly Invitae), Labcorp
Classification: Uncertain significance for Capillary malformation-arteriovenous malformation syndrome. Last evaluated: 2024-07-02. Review status: criteria provided, single submitter. Criteria: Invitae Variant Classification Sherloc (09022015). Collection method: clinical testing. Allele origin: germline.
Comment: This sequence change replaces glycine, which is neutral and non-polar, with arginine, which is basic and polar, at codon 68 of the RASA1 protein (p.Gly68Arg). This variant is not present in population databases (gnomAD no frequency). This variant has not been reported in the literature in individuals affected with RASA1-related conditions. ClinVar contains an entry for this variant (Variation ID: 642083). An algorithm developed to predict the effect of missense changes on protein structure and function (PolyPhen-2) suggests that this variant is likely to be disruptive. Algorithms developed to predict the effect of sequence changes on RNA splicing suggest that this variant may create or strengthen a splice site. In summary, the available evidence is currently insufficient to determine the role of this variant in disease. Therefore, it has been classified as a Variant of Uncertain Significance.

NM_002890.3(RASA1):c.202G>A (p.Gly68Arg)

Gene: RASA1 (RAS p21 protein activator 1; plus strand). Cytogenetic location: 5q14.3.
Variant type: single nucleotide variant.
Coding change: c.202G>A on transcript NM_002890.3 (MANE Select); coding-DNA position 202, G replaced by A.
Protein change: p.Gly68Arg; replaces glycine 68 with arginine.
Molecular consequence: missense variant.
Genome position (GRCh38, 1-based): chr5:87,268,653, G>A. VCF-style: chr5-87268653-G-A. GRCh37 (hg19) VCF-style: chr5-86564470-G-A.
Other names: short protein forms G68R.
Identifiers: ClinVar variation 642083 (VCV000642083.10), dbSNP rs1580178771, ClinGen allele CA360416967.